The following is an entry in ClinVar:

ClinVar aggregate classification (germline): Uncertain significance (1 of 4 stars; one submission).

gnomAD v4.1: 12 of 1,562,986 alleles (0.00077%); highest among the groups gnomAD compares: Non-Finnish European, 0.00017%; no homozygotes.

Submission:

Labcorp Genetics (formerly Invitae), Labcorp
Classification: Uncertain significance. Last evaluated: 2024-03-26. Review status: criteria provided, single submitter. Criteria: Invitae Variant Classification Sherloc (09022015). Collection method: clinical testing. Allele origin: germline.
Comment: This sequence change replaces aspartic acid, which is acidic and polar, with glutamic acid, which is acidic and polar, at codon 1130 of the ATP13A3 protein (p.Asp1130Glu). This variant is present in population databases (rs752421912, gnomAD 0.04%). This variant has not been reported in the literature in individuals affected with ATP13A3-related conditions. Advanced modeling of protein sequence and biophysical properties (such as structural, functional, and spatial information, amino acid conservation, physicochemical variation, residue mobility, and thermodynamic stability) performed at Invitae indicates that this missense variant is not expected to disrupt ATP13A3 protein function with a negative predictive value of 80%. In summary, the available evidence is currently insufficient to determine the role of this variant in disease. Therefore, it has been classified as a Variant of Uncertain Significance.

NM_001367549.1(ATP13A3):c.3390C>G (p.Asp1130Glu)

Gene: ATP13A3 (ATPase 13A3; minus strand). Cytogenetic location: 3q29.
Variant type: single nucleotide variant.
Coding change: c.3390C>G on transcript NM_001367549.1 (MANE Select); coding-DNA position 3390, C replaced by G.
Protein change: p.Asp1130Glu; replaces aspartic acid 1130 with glutamic acid.
Molecular consequence: missense variant. On other transcripts: non-coding transcript variant (2).
Genome position (GRCh38, 1-based): chr3:194,419,891, G>C on the plus strand (C>G on the coding strand, the complement: ATP13A3 is on the minus strand). VCF-style: chr3-194419891-G-C. GRCh37 (hg19) VCF-style: chr3-194140620-G-C.
Other names: c.3309C>G, p.Asp1103Glu (NM_001374836.1); c.3390C>G, p.Asp1130Glu (NM_024524.4); short protein forms D1103E, D1130E.
Identifiers: ClinVar variation 3604268 (VCV003604268.2).